The following is an entry in ClinVar:

ClinVar aggregate classification (germline): Benign. Review status: criteria provided, multiple submitters, no conflicts (2 of 4 stars). 4 submissions from 4 submitters: Benign (3). 1 of the submissions does not count toward it. Last evaluated 2021-05-04.

Conditions:
CTNNA2-related disorder. Also called: CTNNA2-related condition.

Allele frequency attached by ClinVar (database versions not stated): gnomAD exomes 0.00204 and 0.00541; ExAC 0.00637; gnomAD 0.02062 and 0.02193; ESP Exome Variant Server 0.02232; TOPMed 0.02315; 1000 Genomes Project 0.02336; 1000 Genomes Project 30x 0.02577.
gnomAD v4.1: 6,230 of 1,613,988 alleles (0.39%); highest among the groups gnomAD compares: African/African-American, 7.2%; 238 homozygotes.

Submissions (4):

GeneDx
Classification: Benign. Last evaluated: 2021-05-04. Review status: criteria provided, single submitter. Criteria: GeneDx Variant Classification Process June 2021. Collection method: clinical testing. Allele origin: germline. Affected: yes.

Labcorp Genetics (formerly Invitae), Labcorp
Classification: Benign. Last evaluated: 2019-12-31. Review status: criteria provided, single submitter. Criteria: Invitae Variant Classification Sherloc (09022015). Collection method: clinical testing. Allele origin: germline.

Breakthrough Genomics
Classification: Benign. Review status: criteria provided, single submitter. Criteria: ACMG Guidelines, 2015. Collection method: not provided. Allele origin: germline. Inheritance: Autosomal recessive inheritance. Affected: yes.

PreventionGenetics, part of Exact Sciences
Classification: Benign for CTNNA2-related condition. Last evaluated: 2019-11-20. Review status: no assertion criteria provided. Collection method: clinical testing. Allele origin: germline. Not counted in ClinVar's aggregate classification.
Comment: This variant is classified as benign based on ACMG/AMP sequence variant interpretation guidelines (Richards et al. 2015 PMID: 25741868, with internal and published modifications).

NM_001282597.3(CTNNA2):c.399G>A (p.Ala133=)

Gene: CTNNA2 (catenin alpha 2; plus strand). Cytogenetic location: 2p12.
Variant type: single nucleotide variant.
Coding change: c.399G>A on transcript NM_001282597.3 (MANE Select); coding-DNA position 399, G replaced by A.
Protein change: p.Ala133=; no amino-acid change (alanine 133 retained).
Molecular consequence: synonymous variant.
Genome position (GRCh38, 1-based): chr2:79,858,113, G>A. VCF-style: chr2-79858113-G-A. GRCh37 (hg19) VCF-style: chr2-80085239-G-A.
Other names: c.399G>A, p.Ala133= (NM_001164883.2, NM_004389.4); c.501G>A, p.Ala167= (NM_001282598.2); c.399G>A (NM_001282597.2).
Identifiers: ClinVar variation 775737 (VCV000775737.9), dbSNP rs61754544, ClinGen allele CA1735033.